The following is an entry in ClinVar:

ClinVar aggregate classification (germline): Benign/Likely benign. Review status: criteria provided, multiple submitters, no conflicts (2 of 4 stars). 3 submissions from 3 submitters: Benign (1); Likely benign (2). Last evaluated 2025-02-17.

Conditions:
Hereditary cancer-predisposing syndrome. Also called: Hereditary Cancer Syndrome; Hereditary neoplastic syndrome; Neoplastic Syndromes, Hereditary; Tumor predisposition. Identifiers: Orphanet 140162, MedGen C0027672, MeSH D009386, MONDO:0015356.
Familial melanoma. Also called: Hereditary melanoma; Hereditary cutaneous melanoma. Identifiers: Orphanet 618, MedGen C1512419, MONDO:0018961.
Melanoma, cutaneous malignant, susceptibility to, 3. Also called: Cutaneous malignant melanoma 3. Identifiers: Orphanet 618, MedGen C1836892, MONDO:0012183, OMIM 609048.

Submissions (3):

Labcorp Genetics (formerly Invitae), Labcorp
Classification: Likely benign for Familial melanoma. Last evaluated: 2025-02-17. Review status: criteria provided, single submitter. Criteria: Invitae Variant Classification Sherloc (09022015). Collection method: clinical testing. Allele origin: germline.

Myriad Genetics, Inc.
Classification: Benign for Melanoma, cutaneous malignant, susceptibility to, 3. Last evaluated: 2024-09-24. Review status: criteria provided, single submitter. Criteria: Myriad Autosomal Dominant, Autosomal Recessive and X-Linked Classification Criteria (2023). Collection method: clinical testing. Allele origin: unknown.
Comment: This variant is considered benign. This variant is a silent/synonymous amino acid change and it is not expected to impact splicing.

Ambry Genetics
Classification: Likely benign for Hereditary cancer-predisposing syndrome. Last evaluated: 2022-02-12. Review status: criteria provided, single submitter. Criteria: Ambry Variant Classification Scheme 2023. Collection method: clinical testing. Allele origin: germline.

NM_000075.4(CDK4):c.54G>T (p.Gly18=)

Gene: CDK4 (cyclin dependent kinase 4; minus strand). Cytogenetic location: 12q14.1.
Variant type: single nucleotide variant.
Coding change: c.54G>T on transcript NM_000075.4 (MANE Select); coding-DNA position 54, G replaced by T.
Protein change: p.Gly18=; no amino-acid change (glycine 18 retained).
Molecular consequence: synonymous variant.
Genome position (GRCh38, 1-based): chr12:57,751,664, C>A on the plus strand (G>T on the coding strand, the complement: CDK4 is on the minus strand). VCF-style: chr12-57751664-C-A. GRCh37 (hg19) VCF-style: chr12-58145447-C-A.
Identifiers: ClinVar variation 1747967 (VCV001747967.4), dbSNP rs1955239409, ClinGen allele CA480404923.